The following is an entry in ClinVar:

NM_000157.4(GBA1):c.595_596del (p.Leu199fs)

Genes: GBA1 (glucosylceramidase beta 1; minus strand), LOC106627981 (GBA recombination region; plus strand). Cytogenetic location: 1q22.
Variant type: Deletion.
Coding change: c.595_596del on transcript NM_000157.4 (MANE Select); coding-DNA positions 595 to 596, 2 bases deleted (CT; older notation c.595_596delCT).
Protein change: p.Leu199fs; shifts the reading frame from leucine 199.
Molecular consequence: frameshift variant.
Genome position (GRCh38, 1-based): chr1:155,238,299-155,238,300, AG deleted on the plus strand (CT on the coding strand, the reverse complement: GBA1 is on the minus strand). VCF-style (leftmost placement, unchanged base first): chr1-155238298-CAG-C. GRCh37 (hg19) VCF-style: chr1-155208089-CAG-C.
Other names: c.595_596del, p.Leu199fs (NM_001005741.3, NM_001005742.3); c.334_335del, p.Leu112fs (NM_001171811.2); c.448_449del, p.Leu150fs (NM_001171812.2); c.595_596del (NM_001005741.2); c.595_596delCT (NM_000157.3, NM_000157.4); short protein forms L150fs, L199fs, L112fs.
Identifiers: ClinVar variation 632835 (VCV000632835.55), dbSNP rs749714463, ClinGen allele CA1141715.

ClinVar aggregate classification (germline): Pathogenic/Likely pathogenic. Review status: criteria provided, multiple submitters, no conflicts (2 of 4 stars). 7 submissions from 7 submitters: Pathogenic (6); Likely pathogenic (1). Last evaluated 2026-01-15.

Conditions:
Gaucher disease type I (GD1). Also called: Gaucher's disease, type 1; Type 1 Gaucher Disease; GD 1; ACID BETA-GLUCOSIDASE DEFICIENCY; GAUCHER DISEASE, NONCEREBRAL JUVENILE; GBA DEFICIENCY. Identifiers: Orphanet 355, Orphanet 77259, MedGen C1961835, MONDO:0009265, OMIM 230800.
Gaucher disease type II (GD2). Also called: Acute neuronopathic Gaucher's disease; Type 2 Gaucher disease (Acute; Infantile); GAUCHER DISEASE, ACUTE NEURONOPATHIC TYPE; GD II. Identifiers: Orphanet 77260, MedGen C0268250, MONDO:0009266, OMIM 230900.
Gaucher disease type III. Also called: Gaucher Disease, Type 3; Subacute neuronopathic Gaucher's disease; Type 3 Gaucher disease (Subacute; Juvenile); GAUCHER DISEASE, CHRONIC NEURONOPATHIC TYPE; GAUCHER DISEASE, JUVENILE AND ADULT, CEREBRAL; GAUCHER DISEASE, SUBACUTE NEURONOPATHIC TYPE. Identifiers: Orphanet 355, Orphanet 77261, MedGen C0268251, MONDO:0009267, OMIM 231000.
Gaucher disease-ophthalmoplegia-cardiovascular calcification syndrome. Also called: GAUCHER DISEASE, TYPE IIIC. Identifiers: Orphanet 2072, MedGen C1856476, MONDO:0009268, OMIM 231005.
Gaucher disease perinatal lethal. Also called: Gaucher disease collodion type; Gaucher Disease, Perinatal-Lethal Form. Identifiers: Orphanet 85212, MedGen C1842704, MONDO:0011945, OMIM 608013.
Parkinson disease, late-onset (PD). Also called: Susceptibility to Parkinson's Disease; Hereditary late onset Parkinson disease; PARKINSON DISEASE, LATE-ONSET, SUSCEPTIBILITY TO. Identifiers: Orphanet 411602, MedGen C3160718, MONDO:0008199, OMIM 168600.
Lewy body dementia (DLB). Also called: Lewy Body Disease. Identifiers: MedGen C0752347, MONDO:0007488, OMIM 127750.
Gaucher disease. Also called: Acute cerebral Gaucher disease; Cerebroside lipidosis syndrome; Gaucher splenomegaly; Sphingolipidosis 1; Glucocerebrosidosis; Glucosylceramidase deficiency. Identifiers: Orphanet 355, MedGen C0017205, MONDO:0018150.

Allele frequency attached by ClinVar (database versions not stated): TOPMed below 0.00001; gnomAD exomes 0.00001; ExAC 0.00002.

Submissions (7):

Natera, Inc.
Classification: Pathogenic for Gaucher disease. Last evaluated: 2026-01-15. Review status: criteria provided, single submitter. Criteria: Natera Variant Classification Schema (03/2026). Collection method: clinical testing. Allele origin: germline.
Comment: The c.595_596delCT variant in GBA1 is a frameshift variant predicted to shift the reading frame beginning at codon 199 and leads to a stop codon 62 codons downstream. This variant is expected to result in nonsense mediated decay, truncation, or a dysfunctional protein product. This variant is rare in the general population with a frequency below the threshold expected for the associated phenotype(s). This variant has been observed in one or more individuals affected with the associated recessive disease, as either homozygous or compound heterozygous with a second variant (PMID: 16185907). Given the available evidence, this variant is classified as Pathogenic.

Labcorp Genetics (formerly Invitae), Labcorp
Classification: Pathogenic. Last evaluated: 2026-01-14. Review status: criteria provided, single submitter. Criteria: Invitae Variant Classification Sherloc (09022015). Collection method: clinical testing. Allele origin: germline.
Comment: This sequence change creates a premature translational stop signal (p.Leu199Aspfs*62) in the GBA gene. It is expected to result in an absent or disrupted protein product. Loss-of-function variants in GBA are known to be pathogenic (PMID: 9153297, 10079102, 10796875, 11783951). This variant is present in population databases (rs749714463, gnomAD 0.003%). This premature translational stop signal has been observed in individual(s) with Gaucher disease (PMID: 16185907). ClinVar contains an entry for this variant (Variation ID: 632835). For these reasons, this variant has been classified as Pathogenic.

GeneDx
Classification: Likely pathogenic. Last evaluated: 2024-05-07. Review status: criteria provided, single submitter. Criteria: GeneDx Variant Classification Process June 2021. Collection method: clinical testing. Allele origin: germline. Affected: yes.
Comment: Frameshift variant predicted to result in protein truncation or nonsense mediated decay in a gene for which loss of function is a known mechanism of disease; Also known as p.(L160Dfs*62); This variant is associated with the following publications: (PMID: 11783951, 9153297, 10796875, 10079102, 17059888, 16185907, 16185900, 18338393, 32258481, 36251442)

Fulgent Genetics
Classification: Pathogenic for Lewy body dementia; Parkinson disease, late-onset; Gaucher disease type I; Gaucher disease type II; Gaucher disease type III; Gaucher disease-ophthalmoplegia-cardiovascular calcification syndrome; Gaucher disease perinatal lethal. Last evaluated: 2022-03-22. Review status: criteria provided, single submitter. Criteria: ACMG Guidelines, 2015. Collection method: clinical testing. Allele origin: unknown.

CeGaT Center for Human Genetics Tuebingen
Classification: Pathogenic. Last evaluated: 2019-06-01. Review status: criteria provided, single submitter. Criteria: CeGaT Center For Human Genetics Tuebingen Variant Classification Criteria Version 2. Collection method: clinical testing. Allele origin: germline. Affected: yes. Observed: 1 variant allele.

Women's Health and Genetics/Laboratory Corporation of America, LabCorp
Classification: Pathogenic for Gaucher disease. Last evaluated: 2018-08-16. Review status: criteria provided, single submitter. Criteria: LabCorp Variant Classification Summary - May 2015. Collection method: clinical testing. Allele origin: germline.
Comment: Variant summary: GBA c.595_596delCT (p.Leu199AspfsX62) results in a premature termination codon, predicted to cause a truncation of the encoded protein or absence of the protein due to nonsense mediated decay, which are commonly known mechanisms for disease. A truncation downstream of this position has been classified as pathogenic by our laboratory (e.g., p.Val211fsX20 and p.Tyr343fsX1). The variant allele was found at a frequency of 1.1e-05 in 184208 control chromosomes (gnomAD). c.595_596delCT has been reported in the literature in several individuals affected with Type I Gaucher Disease ((Pomponio_2005, Rozenberg_2006). These data indicate that the variant is likely to be associated with disease. To our knowledge, no experimental evidence demonstrating an impact on protein function has been reported. No clinical diagnostic laboratories have submitted clinical-significance assessments for this variant to ClinVar after 2014. Based on the evidence outlined above, the variant was classified as pathogenic.

Ambry Genetics
Classification: Pathogenic. Last evaluated: 2017-08-02. Review status: criteria provided, single submitter. Criteria: Ambry Variant Classification Scheme 2023. Collection method: clinical testing. Allele origin: germline.
Comment: The c.595_596delCT pathogenic mutation, located in coding exon 6 of the GBA gene, results from a deletion of two nucleotides at nucleotide positions 595 to 596, causing a translational frameshift with a predicted alternate stop codon (p.L199Dfs*62). This mutation was identified in four individuals with type 1 Gaucher disease in conjunction with p.N409S (Pomponio RJ et al. Mol. Genet. Metab., 2005 Dec;86:466-72). In addition to the clinical data presented in the literature, this alteration is expected to result in loss of function by premature protein truncation or nonsense-mediated mRNA decay. As such, this alteration is interpreted as a disease-causing mutation.

Literature cited by the submitters: PubMed 16185907 (cited by 4 submitters); PubMed 9153297 (cited by Labcorp Genetics (formerly Invitae), Labcorp); PubMed 10079102 (cited by Labcorp Genetics (formerly Invitae), Labcorp); PubMed 10796875 (cited by Labcorp Genetics (formerly Invitae), Labcorp); PubMed 11783951 (cited by Labcorp Genetics (formerly Invitae), Labcorp); PubMed 17059888 (cited by Women's Health and Genetics/Laboratory Corporation of America, LabCorp); PubMed 16185900 (cited by Women's Health and Genetics/Laboratory Corporation of America, LabCorp); PubMed 18338393 (cited by Women's Health and Genetics/Laboratory Corporation of America, LabCorp).